The following is an entry in ClinVar:

NM_144499.3(GNAT1):c.107G>A (p.Gly36Asp)

Gene: GNAT1 (G protein subunit alpha transducin 1; plus strand). Cytogenetic location: 3p21.31.
Variant type: single nucleotide variant.
Coding change: c.107G>A on transcript NM_144499.3 (MANE Select); coding-DNA position 107, G replaced by A.
Protein change: p.Gly36Asp; replaces glycine 36 with aspartic acid.
Molecular consequence: missense variant.
Genome position (GRCh38, 1-based): chr3:50,193,133, G>A. VCF-style: chr3-50193133-G-A. GRCh37 (hg19) VCF-style: chr3-50230566-G-A.
Other names: c.107G>A, p.Gly36Asp (NM_000172.4); short protein forms G36D.
Identifiers: ClinVar variation 636171 (VCV000636171.7), dbSNP rs772024349, ClinGen allele CA2412452.

ClinVar aggregate classification (germline): Uncertain significance. Review status: criteria provided, single submitter (1 of 4 stars). 2 submissions from 2 submitters: Uncertain significance (1). 1 of the submissions does not count toward it. Last evaluated 2025-12-23.

Conditions:
Retinitis pigmentosa (RP). Identifiers: Orphanet 791, MedGen C0035334, MeSH D012174, MONDO:0019200, OMIM 268000. Inheritance: Autosomal dominant, autosomal recessive and X linked inheritance.

Allele frequency attached by ClinVar (database versions not stated): gnomAD exomes below 0.00001 and 0.00001; TOPMed below 0.00001; ExAC 0.00001; gnomAD 0.00002.
gnomAD v4.1: 10 of 1,613,802 alleles (0.00062%); highest among the groups gnomAD compares: Non-Finnish European, 0.00085%; no homozygotes.

Submissions (2):

Labcorp Genetics (formerly Invitae), Labcorp
Classification: Uncertain significance. Last evaluated: 2025-12-23. Review status: criteria provided, single submitter. Criteria: Invitae Variant Classification Sherloc (09022015). Collection method: clinical testing. Allele origin: germline.
Comment: This sequence change replaces glycine, which is neutral and non-polar, with aspartic acid, which is acidic and polar, at codon 36 of the GNAT1 protein (p.Gly36Asp). This variant is present in population databases (rs772024349, gnomAD 0.0009%). This missense change has been observed in individual(s) with retinitis pigmentosa (PMID: 30718709). ClinVar contains an entry for this variant (Variation ID: 636171). An algorithm developed to predict the effect of missense changes on protein structure and function (PolyPhen-2) suggests that this variant is likely to be disruptive. In summary, the available evidence is currently insufficient to determine the role of this variant in disease. Therefore, it has been classified as a Variant of Uncertain Significance.

Department of Clinical Genetics, Copenhagen University Hospital, Rigshospitalet
Classification: Uncertain significance for Retinitis pigmentosa. Last evaluated: 2018-04-01. Review status: no assertion criteria provided. Collection method: research. Allele origin: unknown. Affected: yes. Study: VeluxRD. Not counted in ClinVar's aggregate classification.

Literature cited by the submitters: PubMed 30718709 (cited by Labcorp Genetics (formerly Invitae), Labcorp and Department of Clinical Genetics, Copenhagen University Hospital, Rigshospitalet).